The following is an entry in ClinVar:

ClinVar aggregate classification (germline): Pathogenic. Review status: criteria provided, multiple submitters, no conflicts (2 of 4 stars). 11 submissions from 11 submitters: Pathogenic (9). 2 of the submissions do not count toward it. Last evaluated 2026-01-07.

Conditions:
3-Methylglutaconic aciduria type 3 (MGCA3). Also called: Costeff Syndrome; OPA3-Related 3-Methylglutaconic Aciduria; OPA3, AUTOSOMAL RECESSIVE; OPTIC ATROPHY 3, AUTOSOMAL RECESSIVE. Identifiers: Orphanet 67047, MedGen C0574084, MONDO:0009787, OMIM 258501.
Optic atrophy 3 (OPA3). Also called: Optic atrophy 3 with cataract; Optic atrophy, cataract, and neurologic disorder; OPTIC ATROPHY 3, AUTOSOMAL DOMINANT. Identifiers: Orphanet 67036, MedGen C1833809, MONDO:0008133, OMIM 165300.

Allele frequency attached by ClinVar (database versions not stated): gnomAD exomes below 0.00001; TOPMed below 0.00001.
gnomAD v4.1: 3 of 1,602,798 alleles (0.00019%); highest among the groups gnomAD compares: Middle Eastern, 0.033%; no homozygotes.

Submissions (11):

Labcorp Genetics (formerly Invitae), Labcorp
Classification: Pathogenic for 3-Methylglutaconic aciduria type 3; Optic atrophy 3. Last evaluated: 2026-01-07. Review status: criteria provided, single submitter. Criteria: Invitae Variant Classification Sherloc (09022015). Collection method: clinical testing. Allele origin: germline.
Comment: This sequence change affects an acceptor splice site in intron 1 of the OPA3 gene. While this variant is not anticipated to result in nonsense mediated decay, it likely alters RNA splicing and results in a disrupted protein product. This variant is not present in population databases (gnomAD no frequency). Disruption of this splice site has been observed in individuals with 3-methylglutaconic aciduria (PMID: 11668429, 25201222, 26190011). ClinVar contains an entry for this variant (Variation ID: 4239). Variants that disrupt the consensus splice site are a relatively common cause of aberrant splicing (PMID: 17576681, 9536098). Algorithms developed to predict the effect of sequence changes on RNA splicing suggest that this variant may disrupt the consensus splice site. For these reasons, this variant has been classified as Pathogenic.

Natera, Inc.
Classification: Pathogenic for 3-methylglutaconic aciduria type 3. Last evaluated: 2025-02-20. Review status: criteria provided, single submitter. Criteria: Natera Variant Classification Schema (03/2026). Collection method: clinical testing. Allele origin: germline.
Comment: The c.143-1G>C variant in OPA3 is a canonical splice acceptor site variant predicted to affect pre-mRNA splicing, which may result in an abnormal transcript and altered protein product. This variant may result in a truncated or dysfunctional protein product. This variant is rare in the general population with a frequency below the threshold expected for the associated phenotype(s). This variant has been observed in one or more individuals affected with the associated recessive disease, as either homozygous or compound heterozygous with a second variant (PMID: 11668429). Additionally, this variant has been observed to segregate in affected family members (PMID: 11668429). Functional studies show that this variant may disrupt protein function (PMID: 11668429). Another variant at this same site results in an alteration predicted to cause a similar molecular effect has been observed in individual(s) with the associated phenotype. Given the available evidence, this variant is classified as Pathogenic.

Revvity Omics, Revvity
Classification: Pathogenic. Last evaluated: 2024-12-27. Review status: criteria provided, single submitter. Criteria: ACMG Guidelines, 2015. Collection method: clinical testing. Allele origin: germline.

Women's Health and Genetics/Laboratory Corporation of America, LabCorp
Classification: Pathogenic for 3-Methylglutaconic aciduria type 3. Last evaluated: 2024-07-02. Review status: criteria provided, single submitter. Criteria: LabCorp Variant Classification Summary - May 2015. Collection method: clinical testing. Allele origin: germline.
Comment: Variant summary: OPA3 c.143-1G>C is located in a canonical splice-site and is predicted to affect mRNA splicing resulting in a significantly altered protein due to either exon skipping, shortening, or inclusion of intronic material. Several computational tools predict a significant impact on normal splicing: Four predict the variant abolishes the canonical 3' acceptor site. At least one publication reports experimental evidence that this variant affects mRNA splicing (Anikster_2001). The variant was absent in 242140 control chromosomes. c.143-1G>C has been reported in the literature in multiple individuals affected with 3-Methylglutaconic Aciduria Type 3 (example, Anikster_2001). These data indicate that the variant is very likely to be associated with disease. The following publication has been ascertained in the context of this evaluation (PMID: 11668429). ClinVar contains an entry for this variant (Variation ID: 4239). Based on the evidence outlined above, the variant was classified as pathogenic.

Fulgent Genetics
Classification: Pathogenic for Optic atrophy 3; 3-Methylglutaconic aciduria type 3. Last evaluated: 2024-05-13. Review status: criteria provided, single submitter. Criteria: ACMG Guidelines, 2015. Collection method: clinical testing. Allele origin: germline.

Baylor Genetics
Classification: Pathogenic for 3-Methylglutaconic aciduria type 3. Last evaluated: 2023-10-31. Review status: criteria provided, single submitter. Criteria: ACMG Guidelines, 2015. Collection method: clinical testing. Allele origin: unknown.

Department of Pathology and Laboratory Medicine, Sinai Health System
Classification: Pathogenic for 3-Methylglutaconic aciduria type 3. Last evaluated: 2022-12-31. Review status: criteria provided, single submitter. Criteria: ACMG Guidelines, 2015. Collection method: research. Allele origin: germline.

Myriad Genetics, Inc.
Classification: Pathogenic for 3-Methylglutaconic aciduria type 3. Last evaluated: 2019-12-20. Review status: criteria provided, single submitter. Criteria: Myriad Women's Health Autosomal Recessive and X-Linked Classification Criteria (2019). Collection method: clinical testing. Allele origin: unknown.
Comment: NM_025136.3(OPA3):c.143-1G>C is classified as pathogenic in the context of Costeff optic atrophy syndrome. Sources cited for classification include the following: PMID 15902555, 25201222, 11668429 and 20350831. Classification of NM_025136.3(OPA3):c.143-1G>C is based on the following criteria: The variant is located at a canonical splice site, is expected to disrupt gene function and is reported in individuals with the relevant phenotype. Please note: this variant was assessed in the context of healthy population screening.

CeGaT Center for Human Genetics Tuebingen
Classification: Pathogenic. Last evaluated: 2017-11-01. Review status: criteria provided, single submitter. Criteria: CeGaT Center For Human Genetics Tuebingen Variant Classification Criteria Version 2. Collection method: clinical testing. Allele origin: germline. Affected: yes. Observed: 1 variant allele.

OMIM
Classification: Pathogenic for 3-METHYLGLUTACONIC ACIDURIA, TYPE III. Last evaluated: 2001-12-01. Review status: no assertion criteria provided. Collection method: literature only. Allele origin: germline. Not counted in ClinVar's aggregate classification.

GeneReviews
No classification provided. Condition: 3-Methylglutaconic aciduria type 3. Review status: no classification provided. Collection method: literature only. Allele origin: germline. Not counted in ClinVar's aggregate classification.
Comment: Accounts for 100% of pathogenic variants of individuals of Iraqi Jewish origin with Costeff syndrome

Literature cited by the submitters: PubMed 11668429 (cited by 6 submitters); PubMed 25201222 (cited by 3 submitters); PubMed 26190011 (cited by Labcorp Genetics (formerly Invitae), Labcorp and OMIM); PubMed 17576681 (cited by Labcorp Genetics (formerly Invitae), Labcorp); PubMed 9536098 (cited by Labcorp Genetics (formerly Invitae), Labcorp); PubMed 15902555 (cited by Myriad Genetics, Inc.); PubMed 20350831 (cited by Myriad Genetics, Inc.); NCBI Bookshelf NBK1473 (cited by GeneReviews).

NM_025136.4(OPA3):c.143-1G>C

Genes: OPA3 (outer mitochondrial membrane lipid metabolism regulator OPA3; minus strand), OPA3-RTN2 (OPA3-RTN2 readthrough; minus strand). Cytogenetic location: 19q13.32.
Variant type: single nucleotide variant.
Coding change: c.143-1G>C on transcript NM_025136.4 (MANE Select); the canonical splice acceptor site of the intron before coding-DNA position 143, G replaced by C.
Molecular consequence: splice acceptor variant. On other transcripts: intron variant (1).
Genome position (GRCh38, 1-based): chr19:45,553,912, C>G on the plus strand (G>C on the coding strand, the complement: OPA3 is on the minus strand). VCF-style: chr19-45553912-C-G. GRCh37 (hg19) VCF-style: chr19-46057170-C-G.
Other names: IVS1-1G>C; IVS1AS, G-C, -1; c.143-24456G>C (NM_001017989.3).
Identifiers: ClinVar variation 4239 (VCV000004239.63), dbSNP rs80356523, ClinGen allele CA340205.